The following is an entry in ClinVar:

NM_005802.5(TOPORS):c.1379G>C (p.Gly460Ala)

Gene: TOPORS (TOP1 binding arginine/serine rich protein, E3 ubiquitin ligase; minus strand). Cytogenetic location: 9p21.1.
Variant type: single nucleotide variant.
Coding change: c.1379G>C on transcript NM_005802.5 (MANE Select); coding-DNA position 1379, G replaced by C.
Protein change: p.Gly460Ala; replaces glycine 460 with alanine.
Molecular consequence: missense variant.
Genome position (GRCh38, 1-based): chr9:32,543,146, C>G on the plus strand (G>C on the coding strand, the complement: TOPORS is on the minus strand). VCF-style: chr9-32543146-C-G. GRCh37 (hg19) VCF-style: chr9-32543144-C-G.
Other names: c.1184G>C, p.Gly395Ala (NM_001195622.2); short protein forms G460A, G395A.
Identifiers: ClinVar variation 523486 (VCV000523486.4), dbSNP rs146483990, ClinGen allele CA373170146.

ClinVar aggregate classification (germline): Uncertain significance. Review status: criteria provided, single submitter (1 of 4 stars). 2 submissions from 1 submitter: Uncertain significance (2). Last evaluated 2017-01-01.

Conditions:
Retinitis pigmentosa 31 (RP31). Identifiers: Orphanet 791, MedGen C1835923, MONDO:0012367, OMIM 609923.
Abnormal retinal pigmentation. Identifiers: MedGen C1862475, HP:0007703.
Blurred vision. Identifiers: MedGen C0344232, HP:0000622.
Pigmentary retinopathy. Also called: Pigmentary retinal deposits; Rarefaction of retinal pigmentation. Identifiers: MedGen C4551715, HP:0000580.
Macular degeneration. Also called: Degenerative disorder of macula. Identifiers: MedGen C0024437, MONDO:0003004, HP:0000608.

gnomAD v4.1: 1 of 1,614,066 alleles (0.000062%); highest among the groups gnomAD compares: Non-Finnish European, 0.000085%; no homozygotes.

Submissions (2):

Centre for Mendelian Genomics, University Medical Centre Ljubljana
Classification: Uncertain significance for Abnormal retinal pigmentation; Blurred vision; Macular degeneration; Pigmentary retinopathy. Last evaluated: 2017-01-01. Review status: criteria provided, single submitter. Criteria: ACMG Guidelines, 2015. Collection method: clinical testing. Allele origin: unknown. Affected: yes.

Centre for Mendelian Genomics, University Medical Centre Ljubljana
Classification: Uncertain significance for Retinitis pigmentosa 31. Last evaluated: 2016-01-01. Review status: criteria provided, single submitter. Criteria: ACMG Guidelines, 2015. Collection method: clinical testing. Allele origin: unknown. Affected: yes.
Comment: This variant was classified as: Uncertain significance. The following ACMG criteria were applied in classifying this variant: PM2.